The following is an entry in ClinVar:

NM_000256.3(MYBPC3):c.2499G>A (p.Ala833=)

Gene: MYBPC3 (myosin binding protein C3; minus strand). Cytogenetic location: 11p11.2.
Variant type: single nucleotide variant.
Coding change: c.2499G>A on transcript NM_000256.3 (MANE Select); coding-DNA position 2499, G replaced by A.
Protein change: p.Ala833=; no amino-acid change (alanine 833 retained).
Molecular consequence: synonymous variant.
Genome position (GRCh38, 1-based): chr11:47,337,494, C>T on the plus strand (G>A on the coding strand, the complement: MYBPC3 is on the minus strand). VCF-style: chr11-47337494-C-T. GRCh37 (hg19) VCF-style: chr11-47359045-C-T.
Identifiers: ClinVar variation 42628 (VCV000042628.18), dbSNP rs397515967, ClinGen allele CA012403.

ClinVar aggregate classification (germline): Likely benign. Review status: criteria provided, multiple submitters, no conflicts (2 of 4 stars). 6 submissions from 6 submitters: Likely benign (6). Last evaluated 2026-01-26.

Conditions:
Cardiomyopathy (CMYO). Also called: Cardiomyopathies. Identifiers: Orphanet 167848, MedGen C0878544, MONDO:0004994, HP:0001638. Inheritance: Various modes of inheritance.
Hypertrophic cardiomyopathy. Also called: HYPERTROPHIC MYOCARDIOPATHY. Identifiers: Orphanet 217569, MedGen C0007194, MeSH D002312, MONDO:0005045, HP:0001639.
Cardiovascular phenotype. Identifiers: MedGen CN230736.

Allele frequency attached by ClinVar (database versions not stated): TOPMed below 0.00001.
gnomAD v4.1: 17 of 1,613,918 alleles (0.0011%); highest among the groups gnomAD compares: East Asian, 0.0022%; no homozygotes.

Submissions (6):

Labcorp Genetics (formerly Invitae), Labcorp
Classification: Likely benign for Hypertrophic cardiomyopathy. Last evaluated: 2026-01-26. Review status: criteria provided, single submitter. Criteria: Invitae Variant Classification Sherloc (09022015). Collection method: clinical testing. Allele origin: germline.

Women's Health and Genetics/Laboratory Corporation of America, LabCorp
Classification: Likely benign. Last evaluated: 2024-12-06. Review status: criteria provided, single submitter. Criteria: LabCorp Variant Classification Summary - May 2015. Collection method: clinical testing. Allele origin: germline.

All of Us Research Program, National Institutes of Health
Classification: Likely benign for Hypertrophic cardiomyopathy. Last evaluated: 2023-05-31. Review status: criteria provided, single submitter. Criteria: ACMG Guidelines, 2015. Collection method: clinical testing. Allele origin: germline. Inheritance: Autosomal dominant inheritance. Observed: 1 variant allele, 1 heterozygote.
Comment: This study involves interpretation of variants in research participants for the purpose of population health screening. Participant phenotype was not available at the time of variant classification. Additional details can be found in publication PMID: 35346344, PMCID: PMC8962531

Ambry Genetics
Classification: Likely benign for Cardiovascular phenotype. Last evaluated: 2020-05-21. Review status: criteria provided, single submitter. Criteria: Ambry Variant Classification Scheme 2023. Collection method: clinical testing. Allele origin: germline.

Color Diagnostics, LLC DBA Color Health
Classification: Likely benign for Cardiomyopathy. Last evaluated: 2019-08-19. Review status: criteria provided, single submitter. Criteria: ACMG Guidelines, 2015. Collection method: clinical testing. Allele origin: germline.

Laboratory for Molecular Medicine, Mass General Brigham Personalized Medicine
Classification: Likely benign. Last evaluated: 2015-09-28. Review status: criteria provided, single submitter. Criteria: LMM Criteria. Collection method: clinical testing. Allele origin: germline. Observed: 2 variant alleles.
Comment: p.Ala833Ala in exon25 of MYBPC3: This variant is not expected to have clinical s ignificance because it does not alter an amino acid residue and is not located w ithin the splice consensus sequence.